The following is an entry in ClinVar:

NM_017799.4(TMEM260):c.1655T>C (p.Ile552Thr)

Gene: TMEM260 (transmembrane protein 260; plus strand). Cytogenetic location: 14q22.3.
Variant type: single nucleotide variant.
Coding change: c.1655T>C on transcript NM_017799.4 (MANE Select); coding-DNA position 1655, T replaced by C.
Protein change: p.Ile552Thr; replaces isoleucine 552 with threonine.
Molecular consequence: missense variant.
Genome position (GRCh38, 1-based): chr14:56,633,102, T>C. VCF-style: chr14-56633102-T-C. GRCh37 (hg19) VCF-style: chr14-57099820-T-C.
Other names: short protein forms I552T.
Identifiers: ClinVar variation 2603278 (VCV002603278.4), dbSNP rs139089534, ClinGen allele CA7200150.

ClinVar aggregate classification (germline): Uncertain significance. Review status: criteria provided, single submitter (1 of 4 stars). 2 submissions from 2 submitters: Uncertain significance (1). 1 of the submissions does not count toward it. Last evaluated 2023-08-04.

Conditions:
Inborn genetic diseases. Identifiers: MedGen C0950123, MeSH D030342.
TMEM260-related disorder. Also called: TMEM260-related condition.

Allele frequency attached by ClinVar (database versions not stated): gnomAD exomes 0.00010; ExAC 0.00027; 1000 Genomes Project 0.00060; 1000 Genomes Project 30x 0.00062; gnomAD 0.00109; TOPMed 0.00123; ESP Exome Variant Server 0.00138.
gnomAD v4.1: 325 of 1,613,784 alleles (0.02%); highest among the groups gnomAD compares: African/African-American, 0.4%; no homozygotes.

Submissions (2):

Ambry Genetics
Classification: Uncertain significance for Inborn genetic diseases. Last evaluated: 2023-08-04. Review status: criteria provided, single submitter. Criteria: Ambry Variant Classification Scheme 2023. Collection method: clinical testing. Allele origin: germline.

PreventionGenetics, part of Exact Sciences
Classification: Likely benign for TMEM260-related condition. Last evaluated: 2023-02-28. Review status: no assertion criteria provided. Collection method: clinical testing. Allele origin: germline. Not counted in ClinVar's aggregate classification.
Comment: This variant is classified as likely benign based on ACMG/AMP sequence variant interpretation guidelines (Richards et al. 2015 PMID: 25741868, with internal and published modifications).